The following is an entry in ClinVar:

NM_000321.3(RB1):c.1505C>A (p.Thr502Lys)

Gene: RB1 (RB transcriptional corepressor 1; plus strand). Cytogenetic location: 13q14.2.
Variant type: single nucleotide variant.
Coding change: c.1505C>A on transcript NM_000321.3 (MANE Select); coding-DNA position 1505, C replaced by A.
Protein change: p.Thr502Lys; replaces threonine 502 with lysine.
Molecular consequence: missense variant.
Genome position (GRCh38, 1-based): chr13:48,381,253, C>A. VCF-style: chr13-48381253-C-A. GRCh37 (hg19) VCF-style: chr13-48955389-C-A.
Other names: c.1505C>A, p.Thr502Lys (NM_001407165.1, NM_001407166.1); short protein forms T502K.
Identifiers: ClinVar variation 3787285 (VCV003787285.1).

ClinVar aggregate classification (germline): Uncertain significance (1 of 4 stars; one submission).

Conditions:
Hereditary cancer-predisposing syndrome. Also called: Neoplastic Syndromes, Hereditary; Hereditary Cancer Syndrome; Tumor predisposition; Hereditary neoplastic syndrome. Identifiers: Orphanet 140162, MedGen C0027672, MeSH D009386, MONDO:0015356.

Submission:

Ambry Genetics
Classification: Uncertain significance for Hereditary cancer-predisposing syndrome. Last evaluated: 2025-02-08. Review status: criteria provided, single submitter. Criteria: Ambry Variant Classification Scheme 2023. Collection method: clinical testing. Allele origin: germline.
Comment: The p.T502K variant (also known as c.1505C>A), located in coding exon 17 of the RB1 gene, results from a C to A substitution at nucleotide position 1505. The threonine at codon 502 is replaced by lysine, an amino acid with similar properties. This amino acid position is conserved. In addition, this alteration is predicted to be tolerated by in silico analysis. Based on the available evidence, the clinical significance of this variant remains unclear.